The following is an entry in ClinVar:

NM_001128840.3(CACNA1D):c.4492G>C (p.Gly1498Arg)

Gene: CACNA1D (calcium voltage-gated channel subunit alpha1 D; plus strand). Cytogenetic location: 3p21.1.
Variant type: single nucleotide variant.
Coding change: c.4492G>C on transcript NM_001128840.3 (MANE Select); coding-DNA position 4492, G replaced by C.
Protein change: p.Gly1498Arg; replaces glycine 1498 with arginine.
Molecular consequence: missense variant.
Genome position (GRCh38, 1-based): chr3:53,776,861, G>C. VCF-style: chr3-53776861-G-C. GRCh37 (hg19) VCF-style: chr3-53810888-G-C.
Other names: c.4552G>C, p.Gly1518Arg (NM_000720.4); c.4447G>C, p.Gly1483Arg (NM_001128839.3); short protein forms G1483R, G1498R, G1518R.
Identifiers: ClinVar variation 3898836 (VCV003898836.1).

ClinVar aggregate classification (germline): Uncertain significance (1 of 4 stars; one submission).

Submission:

GeneDx
Classification: Uncertain significance. Last evaluated: 2024-11-12. Review status: criteria provided, single submitter. Criteria: GeneDx Variant Classification Process June 2021. Collection method: clinical testing. Allele origin: germline. Affected: yes.
Comment: Not observed at significant frequency in large population cohorts (gnomAD); In silico analysis supports that this missense variant has a deleterious effect on protein structure/function; Has not been previously published as pathogenic or benign to our knowledge